The following is an entry in ClinVar:

ClinVar aggregate classification (germline): Uncertain significance. Review status: criteria provided, multiple submitters, no conflicts (2 of 4 stars). 4 submissions from 4 submitters: Uncertain significance (4). Last evaluated 2024-11-10.

Conditions:
Polycystic kidney disease 4 (PKD4). Also called: POLYCYSTIC KIDNEY AND HEPATIC DISEASE 1; POLYCYSTIC KIDNEY DISEASE, INFANTILE, TYPE I; PKD3; POLYCYSTIC KIDNEY DISEASE 4 WITH OR WITHOUT POLYCYSTIC LIVER DISEASE; Autosomal Recessive Polycystic Kidney Disease – PKHD1. Identifiers: MedGen C4540575, MONDO:0033004, OMIM 263200.
Autosomal recessive polycystic kidney disease (ARPKD). Also called: AR polycystic kidney disease. Identifiers: Orphanet 731, Orphanet 8378, MedGen C0085548, MeSH D017044, MONDO:0009889.
Inborn genetic diseases. Identifiers: MedGen C0950123, MeSH D030342.

Allele frequency attached by ClinVar (database versions not stated): gnomAD exomes 0.00005; TOPMed below 0.00001; ExAC 0.00002.
gnomAD v4.1: 71 of 1,612,496 alleles (0.0044%); highest among the groups gnomAD compares: Non-Finnish European, 0.0055%; no homozygotes.

Submissions (4):

Ambry Genetics
Classification: Uncertain significance for Inborn genetic diseases. Last evaluated: 2024-11-10. Review status: criteria provided, single submitter. Criteria: Ambry Variant Classification Scheme 2023. Collection method: clinical testing. Allele origin: germline.

Fulgent Genetics
Classification: Uncertain significance for Polycystic kidney disease 4. Last evaluated: 2024-05-28. Review status: criteria provided, single submitter. Criteria: ACMG Guidelines, 2015. Collection method: clinical testing. Allele origin: germline.

GeneDx
Classification: Uncertain significance. Last evaluated: 2022-11-26. Review status: criteria provided, single submitter. Criteria: GeneDx Variant Classification Process June 2021. Collection method: clinical testing. Allele origin: germline. Affected: yes.
Comment: Not observed at significant frequency in large population cohorts (gnomAD); In silico analysis supports that this missense variant has a deleterious effect on protein structure/function; Has not been previously published as pathogenic or benign to our knowledge

Labcorp Genetics (formerly Invitae), Labcorp
Classification: Uncertain significance for Autosomal recessive polycystic kidney disease. Last evaluated: 2021-08-28. Review status: criteria provided, single submitter. Criteria: Invitae Variant Classification Sherloc (09022015). Collection method: clinical testing. Allele origin: germline.
Comment: This sequence change replaces phenylalanine with leucine at codon 3403 of the PKHD1 protein (p.Phe3403Leu). The phenylalanine residue is weakly conserved and there is a small physicochemical difference between phenylalanine and leucine. This variant is present in population databases (rs773610449, ExAC 0.003%). This variant has not been reported in the literature in individuals affected with PKHD1-related conditions. Algorithms developed to predict the effect of missense changes on protein structure and function (SIFT, PolyPhen-2, Align-GVGD) all suggest that this variant is likely to be tolerated. In summary, the available evidence is currently insufficient to determine the role of this variant in disease. Therefore, it has been classified as a Variant of Uncertain Significance.

NM_138694.4(PKHD1):c.10207T>C (p.Phe3403Leu)

Gene: PKHD1 (PKHD1 ciliary IPT domain containing fibrocystin/polyductin; minus strand). Cytogenetic location: 6p12.3.
Variant type: single nucleotide variant.
Coding change: c.10207T>C on transcript NM_138694.4 (MANE Select); coding-DNA position 10207, T replaced by C.
Protein change: p.Phe3403Leu; replaces phenylalanine 3403 with leucine.
Molecular consequence: missense variant.
Genome position (GRCh38, 1-based): chr6:51,659,919, A>G on the plus strand (T>C on the coding strand, the complement: PKHD1 is on the minus strand). VCF-style: chr6-51659919-A-G. GRCh37 (hg19) VCF-style: chr6-51524717-A-G.
Other names: c.10207T>C (NM_138694.3); short protein forms F3403L.
Identifiers: ClinVar variation 2038520 (VCV002038520.4), dbSNP rs773610449, ClinGen allele CA3851130.